The following is an entry in ClinVar:

ClinVar aggregate classification (germline): Benign. Review status: criteria provided, multiple submitters, no conflicts (2 of 4 stars). 2 submissions from 2 submitters: Benign (2). Last evaluated 2018-01-13.

Conditions:
Nestor-Guillermo progeria syndrome (NGPS). Also called: PROGERIA SYNDROME, CHILDHOOD-ONSET, WITH OSTEOLYSIS. Identifiers: Orphanet 280576, MedGen C3151446, MONDO:0013523, OMIM 614008.

Allele frequency attached by ClinVar (database versions not stated): gnomAD 0.00851 and 0.00924; TOPMed 0.01005; gnomAD exomes 0.00078; 1000 Genomes Project 0.00539; 1000 Genomes Project 30x 0.00593.

Submissions (2):

Illumina Laboratory Services, Illumina
Classification: Benign for Nestor-Guillermo progeria syndrome. Last evaluated: 2018-01-13. Review status: criteria provided, single submitter. Criteria: ICSL Variant Classification Criteria 13 December 2019. Collection method: clinical testing. Allele origin: germline.
Comment: This variant was observed in the ICSL laboratory as part of a predisposition screen in an ostensibly healthy population. It had not been previously curated by ICSL or reported in the Human Gene Mutation Database (HGMD: prior to June 1st, 2018), and was therefore a candidate for classification through an automated scoring system. Utilizing variant allele frequency, disease prevalence and penetrance estimates, and inheritance mode, an automated score was calculated to assess if this variant is too frequent to cause the disease. Based on the score and internal cut-off values, a variant classified as benign is not then subjected to further curation. The score for this variant resulted in a classification of benign for this disease.

Breakthrough Genomics
Classification: Benign. Review status: criteria provided, single submitter. Criteria: ACMG Guidelines, 2015. Collection method: not provided. Allele origin: germline. Inheritance: Autosomal recessive inheritance. Affected: yes.

NM_003860.4(BANF1):c.*128C>A

Gene: BANF1 (barrier to autointegration nuclear assembly factor 1; plus strand). Cytogenetic location: 11q13.1.
Variant type: single nucleotide variant.
Coding change: c.*128C>A on transcript NM_003860.4 (MANE Select); 128 bases downstream of the stop codon, C replaced by A.
Molecular consequence: 3 prime UTR variant.
Genome position (GRCh38, 1-based): chr11:66,003,900, C>A. VCF-style: chr11-66003900-C-A. GRCh37 (hg19) VCF-style: chr11-65771371-C-A.
Other names: c.*128C>A (NM_001143985.2).
Identifiers: ClinVar variation 305409 (VCV000305409.6), dbSNP rs144367403, ClinGen allele CA10635314.
Genomic context (GRCh38, chr11:66,003,900, plus strand): 5'-CTGTCCTCTACGAAGGAAAAGATTGCTATTGTCGTACTCACCTCCGACGTACTCCGGGGT[C>A]TTTTGGGAGTTTTCTCCCCTAACCATTTCAACTTTTTTTTGGATTCTCGCTCTTGCATGC-3'